The following is an entry in ClinVar:

NM_182914.3(SYNE2):c.18673C>T (p.Arg6225Cys)

Gene: SYNE2 (spectrin repeat containing nuclear envelope protein 2; plus strand). Cytogenetic location: 14q23.2.
Variant type: single nucleotide variant.
Coding change: c.18673C>T on transcript NM_182914.3 (MANE Select); coding-DNA position 18673, C replaced by T.
Protein change: p.Arg6225Cys; replaces arginine 6225 with cysteine.
Molecular consequence: missense variant.
Genome position (GRCh38, 1-based): chr14:64,210,074, C>T. VCF-style: chr14-64210074-C-T. GRCh37 (hg19) VCF-style: chr14-64676792-C-T.
Other names: c.18673C>T, p.Arg6225Cys (NM_015180.6); short protein forms R6225C.
Identifiers: ClinVar variation 2635417 (VCV002635417.1), dbSNP rs773610152, ClinGen allele CA7224168.

ClinVar aggregate classification (germline): Uncertain significance (1 of 4 stars; one submission).

Conditions:
SYNE2-related disorder. Also called: SYNE2-related condition.

Allele frequency attached by ClinVar (database versions not stated): gnomAD exomes below 0.00001; ExAC 0.00001; gnomAD 0.00001; TOPMed 0.00001.
gnomAD v4.1: 8 of 1,613,978 alleles (0.0005%); highest among the groups gnomAD compares: African/African-American, 0.0027%; no homozygotes.

Submission:

PreventionGenetics, part of Exact Sciences
Classification: Uncertain significance for SYNE2-related condition. Last evaluated: 2023-05-24. Review status: criteria provided, single submitter. Criteria: ACMG Guidelines, 2015. Collection method: clinical testing. Allele origin: germline.
Comment: The SYNE2 c.18673C>T variant is predicted to result in the amino acid substitution p.Arg6225Cys. To our knowledge, this variant has not been reported in the literature. This variant is reported in 0.0040% of alleles in individuals of African descent in gnomAD. At this time, the clinical significance of this variant is uncertain due to the absence of conclusive functional and genetic evidence.